The following is an entry in ClinVar:

ClinVar aggregate classification (germline): Pathogenic (1 of 4 stars; one submission).

Conditions:
Duchenne muscular dystrophy (DMD). Also called: MUSCULAR DYSTROPHY, PSEUDOHYPERTROPHIC PROGRESSIVE, DUCHENNE TYPE; Duchenne Muscular Dystrophy (DMD). Identifiers: Orphanet 98896, MedGen C0013264, MONDO:0010679, OMIM 310200.

Submission:

Labcorp Genetics (formerly Invitae), Labcorp
Classification: Pathogenic for Duchenne muscular dystrophy. Last evaluated: 2017-01-19. Review status: criteria provided, single submitter. Criteria: Invitae Variant Classification Sherloc (09022015). Collection method: clinical testing. Allele origin: germline.
Comment: For these reasons, this variant has been classified as Pathogenic. Loss-of-function variants in DMD are known to be pathogenic. This particular variant has been reported in the literature in individuals affected with Duchenne muscular dystrophy (PMID: 21396098, 21520333). This sequence change affects an acceptor splice site in intron 42 of the DMD gene. It is expected to disrupt RNA splicing and likely results in an absent or disrupted protein product.

Literature cited by the submitters: PubMed 21396098; PubMed 21520333.

NM_004006.3(DMD):c.6118-1G>A

Gene: DMD (dystrophin; minus strand). Cytogenetic location: Xp21.1.
Variant type: single nucleotide variant.
Coding change: c.6118-1G>A on transcript NM_004006.3 (MANE Select); the canonical splice acceptor site of the intron before coding-DNA position 6118, G replaced by A.
Molecular consequence: splice acceptor variant.
Genome position (GRCh38, 1-based): chrX:32,287,702, C>T on the plus strand (G>A on the coding strand, the complement: DMD is on the minus strand). VCF-style: chrX-32287702-C-T. GRCh37 (hg19) VCF-style: chrX-32305819-C-T.
Other names: c.6094-1G>A (NM_000109.4); c.2095-1G>A (NM_004011.4); c.2086-1G>A (NM_004012.4); c.6106-1G>A (NM_004009.3); c.5749-1G>A (NM_004010.3).
Identifiers: ClinVar variation 409937 (VCV000409937.9), dbSNP rs1060502656, ClinGen allele CA16616663.
Genomic context (GRCh38, chrX:32,287,702, plus strand): 5'-CTTCTTGCTATGAATAATGTCAATCCGACCTGAGCTTTGTTGTAGACTATCTTTTATATT[C>T]TGTAATATAAAAATTTTAAAACAGTAAAAAAATGAATTAGCTGTCTATAGAAAGAGAAAA-3'